The following is an entry in ClinVar:

NM_001040108.2(MLH3):c.4284C>G (p.Ala1428=)

Gene: MLH3 (mutL homolog 3; minus strand). Cytogenetic location: 14q24.3.
Variant type: single nucleotide variant.
Coding change: c.4284C>G on transcript NM_001040108.2 (MANE Select); coding-DNA position 4284, C replaced by G.
Protein change: p.Ala1428=; no amino-acid change (alanine 1428 retained).
Molecular consequence: synonymous variant.
Genome position (GRCh38, 1-based): chr14:75,017,160, G>C on the plus strand (C>G on the coding strand, the complement: MLH3 is on the minus strand). VCF-style: chr14-75017160-G-C. GRCh37 (hg19) VCF-style: chr14-75483863-G-C.
Other names: c.4212C>G, p.Ala1404= (NM_014381.3).
Identifiers: ClinVar variation 1739367 (VCV001739367.3), dbSNP rs2139283645, ClinGen allele CA487174863.
Genomic context (GRCh38, chr14:75,017,160, plus strand): 5'-AGGCATGGATTGCTGCAGGCTCTGCCTTGTATCACACTCTGCTTTTCCAAAGAGACGCCA[G>C]GCCTGGGCCATTTTGCGAAGTTTAGTGAGGTTGGGTTTAATCTATGGGAAGAAAGAATAA-3'
Protein context (NP_001035197.1, residues 1418-1438): NLTKLRKMAQ[Ala1428=]WRLFGKAECD

ClinVar aggregate classification (germline): Benign/Likely benign. Review status: criteria provided, multiple submitters, no conflicts (2 of 4 stars). 2 submissions from 2 submitters: Benign (1); Likely benign (1). Last evaluated 2026-05-06.

Conditions:
Colorectal cancer, hereditary nonpolyposis, type 7. Identifiers: Orphanet 144, MedGen C1858380, MONDO:0013725, OMIM 614385.

Submissions (2):

Myriad Genetics, Inc.
Classification: Benign for Colorectal cancer, hereditary nonpolyposis, type 7. Last evaluated: 2026-05-06. Review status: criteria provided, single submitter. Criteria: Myriad Autosomal Dominant, Autosomal Recessive and X-Linked Classification Criteria (2023). Collection method: clinical testing. Allele origin: unknown.
Comment: This variant is considered benign. This variant is a silent/synonymous amino acid change and it is not expected to impact splicing.

Ambry Genetics
Classification: Likely benign. Last evaluated: 2021-05-18. Review status: criteria provided, single submitter. Criteria: Ambry Variant Classification Scheme 2023. Collection method: clinical testing. Allele origin: germline.